The following is an entry in ClinVar:

NC_012920.1(MT-CYB):m.15812G>A

Gene: MT-CYB (mitochondrially encoded cytochrome b; plus strand).
Variant type: single nucleotide variant.
Genome position: chrM-15812-G-A.
Identifiers: ClinVar variation 9675 (VCV000009675.2), dbSNP rs200336777, ClinGen allele CA254852.

ClinVar aggregate classification (germline): Benign. Review status: criteria provided, single submitter (1 of 4 stars). 2 submissions from 2 submitters: Benign (1). 1 of the submissions does not count toward it. Last evaluated 2019-10-17.

Conditions:
Leber optic atrophy (LHON). Also called: Leber hereditary optic neuropathy; Leber's disease; Leber's optic atrophy; Optic Atrophy, Hereditary, Leber. Identifiers: Orphanet 104, MedGen C0917796, MONDO:0010788, OMIM 535000, HP:0001112.
Leigh syndrome (NULS). Also called: Leigh's syndrome; Leigh Disease; Leigh's necrotizing encephalopathy; Leigh's disease; Subacute necrotizing encephalopathy; Necrotizing encephalopathy infantile subacute of Leigh. Identifiers: Orphanet 506, MedGen C2931891, MONDO:0009723, OMIM 256000.

Submissions (2):

Wong Mito Lab, Molecular and Human Genetics, Baylor College of Medicine
Classification: Benign for Leigh syndrome. Last evaluated: 2019-10-17. Review status: criteria provided, single submitter. Criteria: Modified ACMG Guidelines (Unpublished). Collection method: clinical testing. Allele origin: germline.
Comment: The NC_012920.1:m.15812G>A (YP_003024038.1:p.Val356Met) variant in MTCYB gene is interpretated to be a Benign variant based on the modified ACMG guidelines (unpublished). This variant meets the following evidence codes: BA1

OMIM
Classification: Pathogenic for LEBER OPTIC ATROPHY. Last evaluated: 1992-01-01. Review status: no assertion criteria provided. Collection method: literature only. Allele origin: germline. Not counted in ClinVar's aggregate classification.

Literature cited by the submitters: Brown, M. D., Lott, M. T., Voljavec, A. S., Torroni, A., Wallace, D. C. Mitochondrial DNA cytochrome b mutations associated with Leber's hereditary optic neuropathy and evidence for deleterious interactions between mutations. (Abstract) Am. J. Hum. Genet. 49 (suppl.): 973, 1991. (cited by OMIM); PubMed 1732158 (cited by OMIM); PubMed 1764087 (cited by OMIM).